The following is an entry in ClinVar:

NM_001029883.3(PCARE):c.360T>G (p.Gly120=)

Gene: PCARE (photoreceptor cilium actin regulator; minus strand). Cytogenetic location: 2p23.2.
Variant type: single nucleotide variant.
Coding change: c.360T>G on transcript NM_001029883.3 (MANE Select); coding-DNA position 360, T replaced by G.
Protein change: p.Gly120=; no amino-acid change (glycine 120 retained).
Molecular consequence: synonymous variant.
Genome position (GRCh38, 1-based): chr2:29,073,902, A>C on the plus strand (T>G on the coding strand, the complement: PCARE is on the minus strand). VCF-style: chr2-29073902-A-C. GRCh37 (hg19) VCF-style: chr2-29296768-A-C.
Other names: c.360T>G (NM_001029883.2).
Identifiers: ClinVar variation 3625187 (VCV003625187.3).

ClinVar aggregate classification (germline): Likely benign. Review status: criteria provided, multiple submitters, no conflicts (2 of 4 stars). 2 submissions from 2 submitters: Likely benign (2). Last evaluated 2026-04-13.

Conditions:
PCARE-related disorder. Also called: PCARE-related condition.

gnomAD v4.1: 24 of 1,614,052 alleles (0.0015%); highest among the groups gnomAD compares: Non-Finnish European, 0.002%; no homozygotes.

Submissions (2):

PreventionGenetics, part of Exact Sciences
Classification: Likely benign for PCARE-related condition. Last evaluated: 2026-04-13. Review status: criteria provided, single submitter. Criteria: ACMG Guidelines, 2015. Collection method: clinical testing. Allele origin: germline.
Comment: This variant is classified as likely benign based on ACMG/AMP sequence variant interpretation guidelines (Richards et al. 2015 PMID: 25741868, with internal and published modifications).

Labcorp Genetics (formerly Invitae), Labcorp
Classification: Likely benign. Last evaluated: 2024-04-29. Review status: criteria provided, single submitter. Criteria: Invitae Variant Classification Sherloc (09022015). Collection method: clinical testing. Allele origin: germline.